The following is an entry in ClinVar:

NM_000503.6(EYA1):c.23G>A (p.Ser8Asn)

Gene: EYA1 (EYA transcriptional coactivator and phosphatase 1; minus strand). Cytogenetic location: 8q13.3.
Variant type: single nucleotide variant.
Coding change: c.23G>A on transcript NM_000503.6 (MANE Select); coding-DNA position 23, G replaced by A.
Protein change: p.Ser8Asn; replaces serine 8 with asparagine.
Molecular consequence: missense variant. On other transcripts: 5 prime UTR variant (1), intron variant (2).
Genome position (GRCh38, 1-based): chr8:71,354,883, C>T on the plus strand (G>A on the coding strand, the complement: EYA1 is on the minus strand). VCF-style: chr8-71354883-C-T. GRCh37 (hg19) VCF-style: chr8-72267118-C-T.
Other names: c.23G>A (NM_000503.5); c.23G>A, p.Ser8Asn (NM_001288574.2, NM_001370334.1, NM_001370335.1 and 1 more transcripts); c.-262G>A (NM_001288575.2); c.110G>A, p.Ser37Asn (NM_001370333.1, NM_001370336.1, NM_172059.5); c.25+1579G>A (NM_001411797.1, NM_172060.4); short protein forms S37N, S8N.
Identifiers: ClinVar variation 3595867 (VCV003595867.4).

ClinVar aggregate classification (germline): Conflicting classifications of pathogenicity. Review status: criteria provided, conflicting classifications (1 of 4 stars). 3 submissions from 3 submitters: Uncertain significance (2); Likely benign (1). Last evaluated 2025-06-12.

Conditions:
Branchiootorenal syndrome 1. Also called: Branchio-Oto-Renal Syndrome 1. Identifiers: Orphanet 107, MedGen C4551702, MONDO:0007236, OMIM 113650.
Melnick-Fraser syndrome (BOR). Also called: Branchiootorenal syndrome; Branchio-oto-renal syndrome; Branchiootorenal Syndrome (BORS). Identifiers: Orphanet 107, MedGen C0265234, MONDO:0007029.
Branchiootic syndrome 1 (BOS1). Also called: BO SYNDROME 1; BRANCHIOOTIC DYSPLASIA. Identifiers: MedGen C1865143, MONDO:0011258, OMIM 602588.
Otofaciocervical syndrome 1 (OTFCS). Identifiers: MedGen C3714941, MONDO:0024532, OMIM 166780.

gnomAD v4.1: 6 of 1,613,440 alleles (0.00037%); highest among the groups gnomAD compares: African/African-American, 0.0053%; no homozygotes.

Submissions (3):

Labcorp Genetics (formerly Invitae), Labcorp
Classification: Likely benign for Melnick-Fraser syndrome. Last evaluated: 2025-06-12. Review status: criteria provided, single submitter. Criteria: Invitae Variant Classification Sherloc (09022015). Collection method: clinical testing. Allele origin: germline.

Johns Hopkins Genomics, Johns Hopkins University
Classification: Uncertain significance for Branchiootorenal syndrome 1. Last evaluated: 2024-09-11. Review status: criteria provided, single submitter. Criteria: ACMG Guidelines, 2015. Collection method: clinical testing. Allele origin: germline.
Comment: This EYA1 missense variant (rs1393157586) is rare (<0.1%) in a large population dataset (gnomAD v4.1.0: 6/1613440 total alleles; 0.0004%; no homozygotes). It has not been reported in ClinVar nor in the literature, to our knowledge. Two bioinformatic tools queried predict that this substitution would be damaging, and the serine residue at this position is evolutionarily conserved across all except one of the species assessed. We consider the clinical significance of c.23G>A in EYA1 to be uncertain at this time.

Fulgent Genetics
Classification: Uncertain significance for Branchiootorenal syndrome 1; Otofaciocervical syndrome 1; Branchiootic syndrome 1. Last evaluated: 2024-04-02. Review status: criteria provided, single submitter. Criteria: ACMG Guidelines, 2015. Collection method: clinical testing. Allele origin: germline.